The following is an entry in ClinVar:

NM_001457.4(FLNB):c.3228G>A (p.Thr1076=)

Gene: FLNB (filamin B; plus strand). Cytogenetic location: 3p14.3.
Variant type: single nucleotide variant.
Coding change: c.3228G>A on transcript NM_001457.4 (MANE Select); coding-DNA position 3228, G replaced by A.
Protein change: p.Thr1076=; no amino-acid change (threonine 1076 retained).
Molecular consequence: synonymous variant.
Genome position (GRCh38, 1-based): chr3:58,123,194, G>A. VCF-style: chr3-58123194-G-A. GRCh37 (hg19) VCF-style: chr3-58108921-G-A.
Other names: c.3228G>A, p.Thr1076= (NM_001164317.2, NM_001164318.2, NM_001164319.2); c.3228G>A (NM_001457.3).
Identifiers: ClinVar variation 1899705 (VCV001899705.6), dbSNP rs566744635, ClinGen allele CA2468363.

ClinVar aggregate classification (germline): Likely benign. Review status: criteria provided, single submitter (1 of 4 stars). 2 submissions from 2 submitters: Likely benign (1). 1 of the submissions does not count toward it. Last evaluated 2025-06-27.

Conditions:
FLNB-related disorder. Also called: FLNB-related disorders; FLNB-related condition. Identifiers: MedGen CN381095.

Allele frequency attached by ClinVar (database versions not stated): gnomAD 0.00003; gnomAD exomes 0.00003; TOPMed 0.00004; ExAC 0.00005; 1000 Genomes Project 30x 0.00016; 1000 Genomes Project 0.00020.
gnomAD v4.1: 48 of 1,613,902 alleles (0.003%); highest among the groups gnomAD compares: South Asian, 0.024%; no homozygotes.

Submissions (2):

Labcorp Genetics (formerly Invitae), Labcorp
Classification: Likely benign. Last evaluated: 2025-06-27. Review status: criteria provided, single submitter. Criteria: Invitae Variant Classification Sherloc (09022015). Collection method: clinical testing. Allele origin: germline.

PreventionGenetics, part of Exact Sciences
Classification: Likely benign for FLNB-related condition. Last evaluated: 2024-03-19. Review status: no assertion criteria provided. Collection method: clinical testing. Allele origin: germline. Not counted in ClinVar's aggregate classification.
Comment: This variant is classified as likely benign based on ACMG/AMP sequence variant interpretation guidelines (Richards et al. 2015 PMID: 25741868, with internal and published modifications).